The following is an entry in ClinVar:

ClinVar aggregate classification (germline): Uncertain significance (1 of 4 stars; one submission).

Conditions:
Succinate-semialdehyde dehydrogenase deficiency (SSADHD). Also called: 4-HYDROXYBUTYRIC ACIDURIA; GABA METABOLIC DEFECT; SSADH DEFICIENCY; Succinic Semialdehyde Dehydrogenase Deficiency. Identifiers: Orphanet 22, MedGen C0268631, MONDO:0010083, OMIM 271980.

Allele frequency attached by ClinVar (database versions not stated): gnomAD 0.00001; TOPMed 0.00001.
gnomAD v4.1: 3 of 1,613,934 alleles (0.00019%); highest among the groups gnomAD compares: African/African-American, 0.0027%; no homozygotes.

Submission:

Labcorp Genetics (formerly Invitae), Labcorp
Classification: Uncertain significance for Succinate-semialdehyde dehydrogenase deficiency. Last evaluated: 2022-05-04. Review status: criteria provided, single submitter. Criteria: Invitae Variant Classification Sherloc (09022015). Collection method: clinical testing. Allele origin: germline.
Comment: This sequence change replaces leucine, which is neutral and non-polar, with valine, which is neutral and non-polar, at codon 512 of the ALDH5A1 protein (p.Leu512Val). This variant is present in population databases (no rsID available, gnomAD 0.01%). This variant has not been reported in the literature in individuals affected with ALDH5A1-related conditions. Advanced modeling of protein sequence and biophysical properties (such as structural, functional, and spatial information, amino acid conservation, physicochemical variation, residue mobility, and thermodynamic stability) performed at Invitae indicates that this missense variant is not expected to disrupt ALDH5A1 protein function. In summary, the available evidence is currently insufficient to determine the role of this variant in disease. Therefore, it has been classified as a Variant of Uncertain Significance.

NM_001080.3(ALDH5A1):c.1534C>G (p.Leu512Val)

Gene: ALDH5A1 (aldehyde dehydrogenase 5 family member A1; plus strand). Cytogenetic location: 6p22.3.
Variant type: single nucleotide variant.
Coding change: c.1534C>G on transcript NM_001080.3 (MANE Select); coding-DNA position 1534, C replaced by G.
Protein change: p.Leu512Val; replaces leucine 512 with valine.
Molecular consequence: missense variant.
Genome position (GRCh38, 1-based): chr6:24,533,638, C>G. VCF-style: chr6-24533638-C-G. GRCh37 (hg19) VCF-style: chr6-24533866-C-G.
Other names: c.1390C>G, p.Leu464Val (NM_001368954.1); c.1573C>G, p.Leu525Val (NM_170740.1); short protein forms L512V, L525V, L464V.
Identifiers: ClinVar variation 1374328 (VCV001374328.3), dbSNP rs1226094055, ClinGen allele CA362967695.